The following is an entry in ClinVar:

NM_001368067.1(LDB3):c.323T>C (p.Val108Ala)

Genes: LDB3 (LIM domain binding 3; plus strand), LOC110121486 (VISTA enhancer hs2143; plus strand). Cytogenetic location: 10q23.2.
Variant type: single nucleotide variant.
Coding change: c.323T>C on transcript NM_001368067.1 (MANE Plus Clinical); coding-DNA position 323, T replaced by C.
Protein change: p.Val108Ala; replaces valine 108 with alanine.
Molecular consequence: missense variant. On other transcripts: intron variant (7).
Genome position (GRCh38, 1-based): chr10:86,685,679, T>C. VCF-style: chr10-86685679-T-C. GRCh37 (hg19) VCF-style: chr10-88445436-T-C.
Other names: c.323T>C, p.Val108Ala (NM_001080114.2, NM_001080116.1, NM_001368066.1 and 1 more transcripts); c.689+3876T>C (NM_001368064.1, NM_001368063.1, NM_007078.3 and 2 more transcripts); c.690-1390T>C (NM_001171610.2, NM_001171611.2); short protein forms V108A.
Identifiers: ClinVar variation 1947383 (VCV001947383.5), dbSNP rs2492625934, ClinGen allele CA377440891.
Genomic context (GRCh38, chr10:86,685,679, plus strand): 5'-CTGCCCCTGGTGGAGCCTCTCTCTGACCACCCTGTCTTCTTTGCCCTTTTCCTCCCCAGG[T>C]GGTAGTCAACTCTCCAGCCAAGTTAGTATCAAAGGACAGCATGTGTGTGCGCTTGCGTGC-3'
Protein context (NP_001354996.1, residues 98-118): TPLPVIPHQK[Val108Ala]VVNSPANADY

ClinVar aggregate classification (germline): Uncertain significance (1 of 4 stars; one submission).

Conditions:
Myofibrillar myopathy 4. Also called: Zaspopathy (type). Identifiers: Orphanet 98912, MedGen C4721886, MONDO:0012277, OMIM 609452.

Allele frequency attached by ClinVar (database versions not stated): gnomAD exomes below 0.00001.
gnomAD v4.1: 6 of 1,614,120 alleles (0.00037%); highest among the groups gnomAD compares: Non-Finnish European, 0.00034%; no homozygotes.

Submission:

Labcorp Genetics (formerly Invitae), Labcorp
Classification: Uncertain significance for Myofibrillar myopathy 4. Last evaluated: 2022-09-25. Review status: criteria provided, single submitter. Criteria: Invitae Variant Classification Sherloc (09022015). Collection method: clinical testing. Allele origin: germline.
Comment: This sequence change replaces valine, which is neutral and non-polar, with alanine, which is neutral and non-polar, at codon 108 of the LDB3 protein (p.Val108Ala). This variant is not present in population databases (gnomAD no frequency). This variant has not been reported in the literature in individuals affected with LDB3-related conditions. Algorithms developed to predict the effect of missense changes on protein structure and function (SIFT, PolyPhen-2, Align-GVGD) all suggest that this variant is likely to be tolerated. In summary, the available evidence is currently insufficient to determine the role of this variant in disease. Therefore, it has been classified as a Variant of Uncertain Significance.